The following is an entry in ClinVar:

NM_001018005.2(TPM1):c.115-3C>T

Gene: TPM1 (tropomyosin 1; plus strand). Cytogenetic location: 15q22.2.
Variant type: single nucleotide variant.
Coding change: c.115-3C>T on transcript NM_001018005.2 (MANE Select); 3 bases into the intron before coding-DNA position 115, C replaced by T.
Molecular consequence: intron variant.
Genome position (GRCh38, 1-based): chr15:63,044,024, C>T. VCF-style: chr15-63044024-C-T. GRCh37 (hg19) VCF-style: chr15-63336223-C-T.
Other names: c.241-3C>T (NM_001365778.1); c.240+193C>T (NM_001018020.2, NM_001018007.2, NM_001301244.2); c.115-3C>T (NM_001018006.2, NM_001365776.1, NM_001018004.2 and 3 more transcripts).
Identifiers: ClinVar variation 1734669 (VCV001734669.7), dbSNP rs764205680, ClinGen allele CA027749.
Genomic context (GRCh38, chr15:63,044,024, plus strand): 5'-CCTTCGGGATCACGCTGCCTGCTGCACCCCCCTCCCTCCCTGTACCCCCTGGCCAACTCC[C>T]AGCTGGAAGATGAGCTGGTGTCACTGCAAAAGAAACTCAAGGGCACCGAAGATGAACTGG-3'

ClinVar aggregate classification (germline): Uncertain significance. Review status: criteria provided, multiple submitters, no conflicts (2 of 4 stars). 2 submissions from 2 submitters: Uncertain significance (2). Last evaluated 2023-12-22.

Conditions:
Hypertrophic cardiomyopathy. Also called: HYPERTROPHIC MYOCARDIOPATHY. Identifiers: Orphanet 217569, MedGen C0007194, MeSH D002312, MONDO:0005045, HP:0001639.
Cardiovascular phenotype. Identifiers: MedGen CN230736.

Allele frequency attached by ClinVar (database versions not stated): TOPMed below 0.00001; ExAC 0.00001; gnomAD exomes 0.00001.
gnomAD v4.1: 14 of 1,613,842 alleles (0.00087%); highest among the groups gnomAD compares: Non-Finnish European, 0.0012%; no homozygotes.

Submissions (2):

Labcorp Genetics (formerly Invitae), Labcorp
Classification: Uncertain significance for Hypertrophic cardiomyopathy. Last evaluated: 2023-12-22. Review status: criteria provided, single submitter. Criteria: Invitae Variant Classification Sherloc (09022015). Collection method: clinical testing. Allele origin: germline.
Comment: This sequence change falls in intron 1 of the TPM1 gene. It does not directly change the encoded amino acid sequence of the TPM1 protein. It affects a nucleotide within the consensus splice site. This variant is present in population databases (rs764205680, gnomAD 0.0009%). This variant has not been reported in the literature in individuals affected with TPM1-related conditions. ClinVar contains an entry for this variant (Variation ID: 1734669). Variants that disrupt the consensus splice site are a relatively common cause of aberrant splicing (PMID: 17576681, 9536098). Algorithms developed to predict the effect of sequence changes on RNA splicing suggest that this variant is not likely to affect RNA splicing. In summary, the available evidence is currently insufficient to determine the role of this variant in disease. Therefore, it has been classified as a Variant of Uncertain Significance.

Ambry Genetics
Classification: Uncertain significance for Cardiovascular phenotype. Last evaluated: 2020-04-08. Review status: criteria provided, single submitter. Criteria: Ambry Variant Classification Scheme 2023. Collection method: clinical testing. Allele origin: germline.
Comment: The c.115-3C>T intronic variant results from a C to T substitution 3 nucleotides upstream from coding exon 2 in the TPM1 gene. This nucleotide position is highly conserved in available vertebrate species. Using the BDGP and ESEfinder splice site prediction tools, this alteration is not predicted to have any significant effect on this splice acceptor site; however, direct evidence is unavailable. Since supporting evidence is limited at this time, the clinical significance of this alteration remains unclear.

Literature cited by the submitters: PubMed 17576681 (cited by Labcorp Genetics (formerly Invitae), Labcorp); PubMed 9536098 (cited by Labcorp Genetics (formerly Invitae), Labcorp).